The following is an entry in ClinVar:

ClinVar aggregate classification (germline): Pathogenic (1 of 4 stars; one submission).

Conditions:
Fanconi anemia (FA). Also called: Fanconi's anemia. Identifiers: Orphanet 84, MedGen C0015625, MeSH D005199, MONDO:0019391.

Submission:

Labcorp Genetics (formerly Invitae), Labcorp
Classification: Pathogenic for Fanconi anemia. Last evaluated: 2023-03-01. Review status: criteria provided, single submitter. Criteria: Invitae Variant Classification Sherloc (09022015). Collection method: clinical testing. Allele origin: germline.
Comment: This sequence change creates a premature translational stop signal (p.Asn267Glufs*4) in the FANCC gene. It is expected to result in an absent or disrupted protein product. Loss-of-function variants in FANCC are known to be pathogenic (PMID: 17924555). This variant is present in population databases (no rsID available, gnomAD 0.03%). This variant has not been reported in the literature in individuals affected with FANCC-related conditions. For these reasons, this variant has been classified as Pathogenic.

Literature cited by the submitters: PubMed 17924555.

NM_000136.3(FANCC):c.797_798dup (p.Asn267fs)

Genes: AOPEP (aminopeptidase O (putative); plus strand), FANCC (FA complementation group C; minus strand). Cytogenetic location: 9q22.32.
Variant type: Microsatellite.
Coding change: c.797_798dup on transcript NM_000136.3 (MANE Select); coding-DNA positions 797 to 798, 2 bases duplicated (GA; older notation c.797_798dupGA).
Protein change: p.Asn267fs; shifts the reading frame from asparagine 267.
Molecular consequence: frameshift variant.
Genome position (GRCh38, 1-based): chr9:95,135,391-95,135,392, TC duplicated on the plus strand (GA on the coding strand, the reverse complement: FANCC is on the minus strand); duplicating any 2 consecutive bases within chr9:95,135,391-95,135,396 gives the same sequence; the c. name uses the placement nearest the transcript's 3' end. VCF-style (leftmost placement, unchanged base first): chr9-95135390-T-TTC. GRCh37 (hg19) VCF-style: chr9-97897672-T-TTC.
Other names: c.797_798dup, p.Asn267fs (NM_001243743.2, NM_001243744.2); short protein forms N267fs.
Identifiers: ClinVar variation 2842000 (VCV002842000.3), dbSNP rs1380999715, ClinGen allele CA589580976.